The following is an entry in ClinVar:

NM_000152.5(GAA):c.257C>G (p.Pro86Arg)

Gene: GAA (alpha glucosidase; plus strand). Cytogenetic location: 17q25.3.
Variant type: single nucleotide variant.
Coding change: c.257C>G on transcript NM_000152.5 (MANE Select); coding-DNA position 257, C replaced by G.
Protein change: p.Pro86Arg; replaces proline 86 with arginine.
Molecular consequence: missense variant.
Genome position (GRCh38, 1-based): chr17:80,104,843, C>G. VCF-style: chr17-80104843-C-G. GRCh37 (hg19) VCF-style: chr17-78078642-C-G.
Other names: c.257C>G (LRG_673t1); c.257C>G, p.Pro86Arg (NM_001079803.3, NM_001079804.3); short protein forms P86R.
Identifiers: ClinVar variation 325776 (VCV000325776.63), dbSNP rs2229222, ClinGen allele CA8814828.

ClinVar aggregate classification (germline): Conflicting classifications of pathogenicity. Review status: criteria provided, conflicting classifications (1 of 4 stars). 14 submissions from 14 submitters: Uncertain significance (3); Benign (2); Likely benign (7). 2 of the submissions do not count toward it. Last evaluated 2026-07-01.

Conditions:
GAA-related disorder. Also called: GAA-related condition.
Cardiovascular phenotype. Identifiers: MedGen CN230736.
Glycogen storage disease, type II (IOPD). Also called: Pompe Disease; CARDIOMEGALIA GLYCOGENICA DIFFUSA; Glucosidase acid-1,4-alpha deficiency; POMPE DISEASE, INFANTILE-ONSET; GLYCOGEN STORAGE DISEASE II, INFANTILE-ONSET; ACID ALPHA-GLUCOSIDASE DEFICIENCY, INFANTILE-ONSET. Identifiers: Orphanet 365, MedGen C0017921, MONDO:0009290, OMIM 232300.

Allele frequency attached by ClinVar (database versions not stated): gnomAD 0.00038; TOPMed 0.00040; ExAC 0.00060; 1000 Genomes Project 0.00180; 1000 Genomes Project 30x 0.00203.

Submissions (14):

Genomenon, Inc
Classification: Likely benign for Glycogen storage disease, type II. Last evaluated: 2026-07-01. Review status: criteria provided, single submitter. Criteria: Genomenon Sequence Variant Interpretation Standards - Updated. Collection method: curation. Allele origin: germline. Affected: no.
Comment: GAA p.Pro86Arg (c.257C>G) is a missense variant that changes the amino acid at codon 86 from Proline to Arginine. This variant has been reported in the published literature (PMID:38296580;32802993). In silico models predict that this variant is not damaging. This variant’s allele frequency in gnomAD is greater than expected for this disorder. In conclusion, we classify GAA p.Pro86Arg (c.257C>G) as a likely benign variant.

Labcorp Genetics (formerly Invitae), Labcorp
Classification: Likely benign for Glycogen storage disease, type II. Last evaluated: 2026-01-27. Review status: criteria provided, single submitter. Criteria: Invitae Variant Classification Sherloc (09022015). Collection method: clinical testing. Allele origin: germline.

Ambry Genetics
Classification: Benign for Cardiovascular phenotype. Last evaluated: 2025-10-01. Review status: criteria provided, single submitter. Criteria: Ambry Variant Classification Scheme 2023. Collection method: clinical testing. Allele origin: germline.

Blueprint Genetics
Classification: Likely benign. Last evaluated: 2024-11-26. Review status: criteria provided, single submitter. Criteria: ACMG Guidelines, 2015. Collection method: clinical testing. Allele origin: germline.

CeGaT Center for Human Genetics Tuebingen
Classification: Uncertain significance. Last evaluated: 2022-10-01. Review status: criteria provided, single submitter. Criteria: CeGaT Center For Human Genetics Tuebingen Variant Classification Criteria Version 2. Collection method: clinical testing. Allele origin: germline. Affected: yes. Observed: 1 variant allele.

Genome-Nilou Lab
Classification: Likely benign for Glycogen storage disease, type II. Last evaluated: 2021-05-18. Review status: criteria provided, single submitter. Criteria: ACMG Guidelines, 2015. Collection method: clinical testing. Allele origin: germline. Affected: no.

GeneDx
Classification: Likely benign. Last evaluated: 2020-10-30. Review status: criteria provided, single submitter. Criteria: GeneDx Variant Classification Process June 2021. Collection method: clinical testing. Allele origin: germline. Affected: yes.

Broad Center for Mendelian Genomics, Broad Institute of MIT and Harvard
Classification: Likely benign for Glycogen storage disease, type II. Last evaluated: 2020-01-22. Review status: criteria provided, single submitter. Criteria: ACMG Guidelines, 2015. Collection method: curation. Allele origin: germline. Inheritance: Autosomal recessive inheritance.
Comment: The p.Pro86Arg variant in GAA has not been previously reported in individuals with Glycogen Storage Disease II, but has been reported as a VUS by Illumina, a likely benign variant by Integrated Genetics, and a benign variant by EGL Genetic Diagnostics in ClinVar (Variation ID: 325776). This variant has been identified in 0.749% (149/19884) of East Asian chromosomes by the Genome Aggregation Database (gnomAD; dbSNP rs2229222). This variant has been seen in the general population at a greater frequency than expected for Glycogen Storage Disease II and is consistent with a benign role. Computational prediction tools and conservation analyses suggest that this variant may not impact the protein, though this information is not predictive enough to rule out pathogenicity. In summary, although additional studies are required to fully establish its clinical significance, this variant is likely benign. ACMG/AMP Criteria applied: BS1, BP4 (Richards 2015).

Mayo Clinic Laboratories, Mayo Clinic
Classification: Uncertain significance. Last evaluated: 2019-12-27. Review status: criteria provided, single submitter. Criteria: ACMG Guidelines, 2015. Collection method: clinical testing. Allele origin: germline. Observed: 1 variant allele.

Women's Health and Genetics/Laboratory Corporation of America, LabCorp
Classification: Likely benign. Last evaluated: 2018-02-23. Review status: criteria provided, single submitter. Criteria: LabCorp Variant Classification Summary - May 2015. Collection method: clinical testing. Allele origin: germline.
Comment: Variant summary: GAA c.257C>G (p.Pro86Arg) involves the alteration of a conserved nucleotide that results in a non-conservative amino acid change located in the P-type trefoil domain (IPR000519) of the encoded protein sequence. Three of five in-silico tools predict a damaging effect of the variant on protein function. The observed variant frequency within East Asian control individuals in the gnomAD database is approximately 1.78 fold of the estimated maximal expected allele frequency for a pathogenic variant in GAA causing Glycogen Storage Disease, Type 2 (Pompe Disease) phenotype (0.0042), strongly suggesting that the variant is a benign polymorphism found primarily in populations of East Asian origin. To our knowledge, no occurrence of c.257C>G in individuals affected with Glycogen Storage Disease, Type 2 (Pompe Disease) and no experimental evidence demonstrating its impact on protein function have been reported. One clinical diagnostic laboratory has submitted clinical-significance assessments for this variant to ClinVar after 2014 without evidence for independent evaluation and classified the variant as uncertain significance. Based on the evidence outlined above, the variant was classified as likely benign.

Illumina Laboratory Services, Illumina
Classification: Uncertain significance for Glycogen storage disease, type II. Last evaluated: 2018-01-12. Review status: criteria provided, single submitter. Criteria: ICSL Variant Classification Criteria 13 December 2019. Collection method: clinical testing. Allele origin: germline.

Eurofins Ntd Llc (ga)
Classification: Benign. Last evaluated: 2016-10-05. Review status: criteria provided, single submitter. Criteria: EGL Classification Definitions 2015. Collection method: clinical testing. Allele origin: germline. Observed: 1 variant allele, 1 heterozygote.

PreventionGenetics, part of Exact Sciences
Classification: Benign for GAA-related condition. Last evaluated: 2020-05-03. Review status: no assertion criteria provided. Collection method: clinical testing. Allele origin: germline. Not counted in ClinVar's aggregate classification.
Comment: This variant is classified as benign based on ACMG/AMP sequence variant interpretation guidelines (Richards et al. 2015 PMID: 25741868, with internal and published modifications).

Natera, Inc.
Classification: Likely benign for Glycogen storage disease type II. Last evaluated: 2020-01-12. Review status: no assertion criteria provided. Collection method: clinical testing. Allele origin: germline. Not counted in ClinVar's aggregate classification.

Literature cited by the submitters: PubMed 38296580 (cited by Genomenon, Inc); PubMed 32802993 (cited by Genomenon, Inc).